The following is an entry in ClinVar:

ClinVar aggregate classification (germline): Pathogenic/Likely pathogenic. Review status: criteria provided, multiple submitters, no conflicts (2 of 4 stars). 4 submissions from 4 submitters: Pathogenic (1); Likely pathogenic (2). 1 of the submissions does not count toward it. Last evaluated 2024-10-25.

Conditions:
Mucolipidosis. Also called: Mucolipidoses. Identifiers: Orphanet 79212, MedGen C0026697, MONDO:0019248.
Mucolipidosis type II. Also called: Mucolipidosis 2; ML 2; Inclusion cell disease; Leroy Disease; N-acetylglucosamine 1phosphotransferase deficiency; ML disorder type 2. Identifiers: Orphanet 576, MedGen C2673377, MONDO:0009650, OMIM 252500.
Pseudo-Hurler polydystrophy. Also called: Type III Mucolipidosis; ML IIIA; Mucolipidosis III Alpha/Beta; MUCOLIPIDOSIS IIIA; ML III; ML III ALPHA/BETA. Identifiers: Orphanet 423461, Orphanet 577, MedGen C0033788, MONDO:0018931, OMIM 252600.

Allele frequency attached by ClinVar (database versions not stated): TOPMed below 0.00001.
gnomAD v4.1: 3 of 1,530,022 alleles (0.0002%); highest among the groups gnomAD compares: African/African-American, 0.0014%; no homozygotes.

Submissions (4):

Natera, Inc.
Classification: Likely pathogenic for Mucolipidosis type II. Last evaluated: 2024-10-25. Review status: criteria provided, single submitter. Criteria: Natera Variant Classification Schema (03/2026). Collection method: clinical testing. Allele origin: germline.
Comment: The c.3336-1G>C variant in GNPTAB is a canonical splice acceptor site variant predicted to affect pre-mRNA splicing, which may result in an abnormal transcript and altered protein product. This variant may result in a truncated or dysfunctional protein product. This variant is rare in the general population with a frequency below the threshold expected for the associated phenotype(s). This variant has been observed in one or more individuals affected with the associated recessive disease, as either homozygous or compound heterozygous with a second variant (PMID: 19617216). Given the available evidence, this variant is classified as Likely Pathogenic.

Labcorp Genetics (formerly Invitae), Labcorp
Classification: Pathogenic for Pseudo-Hurler polydystrophy; Mucolipidosis type II. Last evaluated: 2021-07-14. Review status: criteria provided, single submitter. Criteria: Invitae Variant Classification Sherloc (09022015). Collection method: clinical testing. Allele origin: germline.
Comment: This sequence change affects an acceptor splice site in intron 17 of the GNPTAB gene. It is expected to disrupt RNA splicing. Variants that disrupt the donor or acceptor splice site typically lead to a loss of protein function (PMID: 16199547), and loss-of-function variants in GNPTAB are known to be pathogenic (PMID: 19617216, 25107912). This variant is not present in population databases (ExAC no frequency). Disruption of this splice site has been observed in individuals with mucolipidosis type II and III (PMID: 19617216, 32651481). ClinVar contains an entry for this variant (Variation ID: 41257). Algorithms developed to predict the effect of sequence changes on RNA splicing suggest that this variant may disrupt the consensus splice site. For these reasons, this variant has been classified as Pathogenic.

Women's Health and Genetics/Laboratory Corporation of America, LabCorp
Classification: Likely pathogenic for Mucolipidosis. Last evaluated: 2020-04-20. Review status: criteria provided, single submitter. Criteria: LabCorp Variant Classification Summary - May 2015. Collection method: clinical testing. Allele origin: germline.
Comment: Variant summary: GNPTAB c.3336-1G>C is located in a canonical splice-site and is predicted to affect mRNA splicing resulting in a significantly altered protein due to either exon skipping, shortening, or inclusion of intronic material. Several computational tools predict a significant impact on normal splicing: Two predict the variant abolishes a 5 splicing donor site. Three predict the variant abolishes a 3 acceptor site. However, these predictions have yet to be confirmed by functional studies. The variant was absent in 247798 control chromosomes (gnomAD). c.3336-1G>C has been reported in the literature in an individual affected with Mucolipidosis Intermediate phenotype (Cathey_2010). To our knowledge, no experimental evidence demonstrating an impact on protein function has been reported. Another nucleotide change (c.3336-1G>A) in the same position has been noted in the HGMD database. No clinical diagnostic laboratories have submitted clinical-significance assessments for this variant to ClinVar after 2014. Based on the evidence outlined above, the variant was classified as likely pathogenic.

GeneReviews
No classification provided. Condition: Mucolipidosis type II. Review status: no classification provided. Collection method: literature only. Allele origin: unknown. Not counted in ClinVar's aggregate classification.

Literature cited by the submitters: PubMed 19617216 (cited by 4 submitters); PubMed 16199547 (cited by Labcorp Genetics (formerly Invitae), Labcorp); PubMed 25107912 (cited by Labcorp Genetics (formerly Invitae), Labcorp); PubMed 32651481 (cited by Labcorp Genetics (formerly Invitae), Labcorp); PubMed 30882951 (cited by Women's Health and Genetics/Laboratory Corporation of America, LabCorp); PubMed 20301728 (cited by GeneReviews); NCBI Bookshelf NBK1828 (cited by GeneReviews).

NM_024312.5(GNPTAB):c.3336-1G>C

Gene: GNPTAB (N-acetylglucosamine-1-phosphate transferase subunits alpha and beta; minus strand). Cytogenetic location: 12q23.2.
Variant type: single nucleotide variant.
Coding change: c.3336-1G>C on transcript NM_024312.5 (MANE Select); the canonical splice acceptor site of the intron before coding-DNA position 3336, G replaced by C.
Molecular consequence: splice acceptor variant.
Genome position (GRCh38, 1-based): chr12:101,757,311, C>G on the plus strand (G>C on the coding strand, the complement: GNPTAB is on the minus strand). VCF-style: chr12-101757311-C-G. GRCh37 (hg19) VCF-style: chr12-102151089-C-G.
Identifiers: ClinVar variation 41257 (VCV000041257.12), dbSNP rs397507562, ClinGen allele CA344275.